The following is an entry in ClinVar:

ClinVar aggregate classification (germline): Uncertain significance. Review status: criteria provided, multiple submitters, no conflicts (2 of 4 stars). 2 submissions from 2 submitters: Uncertain significance (2). Last evaluated 2025-06-12.

Conditions:
Hereditary cancer-predisposing syndrome. Also called: Neoplastic Syndromes, Hereditary; Tumor predisposition; Hereditary neoplastic syndrome; Hereditary Cancer Syndrome. Identifiers: Orphanet 140162, MedGen C0027672, MeSH D009386, MONDO:0015356.

Allele frequency attached by ClinVar (database versions not stated): gnomAD exomes below 0.00001; TOPMed below 0.00001; gnomAD 0.00001.
gnomAD v4.1: 2 of 1,613,834 alleles (0.00012%); highest among the groups gnomAD compares: East Asian, 0.0022%; no homozygotes.

Submissions (2):

Ambry Genetics
Classification: Uncertain significance for Hereditary cancer-predisposing syndrome. Last evaluated: 2025-06-12. Review status: criteria provided, single submitter. Criteria: Ambry Variant Classification Scheme 2023. Collection method: clinical testing. Allele origin: germline.
Comment: The p.H288Y variant (also known as c.862C>T), located in coding exon 5 of the MSH3 gene, results from a C to T substitution at nucleotide position 862. The histidine at codon 288 is replaced by tyrosine, an amino acid with similar properties. This amino acid position is conserved. In addition, the in silico prediction for this alteration is inconclusive. Based on the available evidence, the clinical significance of this variant remains unclear.

Labcorp Genetics (formerly Invitae), Labcorp
Classification: Uncertain significance. Last evaluated: 2023-02-09. Review status: criteria provided, single submitter. Criteria: Invitae Variant Classification Sherloc (09022015). Collection method: clinical testing. Allele origin: germline.
Comment: In summary, the available evidence is currently insufficient to determine the role of this variant in disease. Therefore, it has been classified as a Variant of Uncertain Significance. Algorithms developed to predict the effect of missense changes on protein structure and function are either unavailable or do not agree on the potential impact of this missense change (SIFT: "Tolerated"; PolyPhen-2: "Probably Damaging"; Align-GVGD: "Class C0"). This variant has not been reported in the literature in individuals affected with MSH3-related conditions. This variant is present in population databases (no rsID available, gnomAD 0.01%). This sequence change replaces histidine, which is basic and polar, with tyrosine, which is neutral and polar, at codon 288 of the MSH3 protein (p.His288Tyr).

NM_002439.5(MSH3):c.862C>T (p.His288Tyr)

Gene: MSH3 (mutS homolog 3; plus strand). Cytogenetic location: 5q14.1.
Variant type: single nucleotide variant.
Coding change: c.862C>T on transcript NM_002439.5 (MANE Select); coding-DNA position 862, C replaced by T.
Protein change: p.His288Tyr; replaces histidine 288 with tyrosine.
Molecular consequence: missense variant.
Genome position (GRCh38, 1-based): chr5:80,672,313, C>T. VCF-style: chr5-80672313-C-T. GRCh37 (hg19) VCF-style: chr5-79968132-C-T.
Other names: c.862C>T (NM_002439.3); short protein forms H288Y.
Identifiers: ClinVar variation 2725246 (VCV002725246.4), dbSNP rs1170572532, ClinGen allele CA360267205.